The following is an entry in ClinVar:

NM_000888.5(ITGB6):c.1019A>C (p.Asn340Thr)

Gene: ITGB6 (integrin subunit beta 6; minus strand). Cytogenetic location: 2q24.2.
Variant type: single nucleotide variant.
Coding change: c.1019A>C on transcript NM_000888.5 (MANE Select); coding-DNA position 1019, A replaced by C.
Protein change: p.Asn340Thr; replaces asparagine 340 with threonine.
Molecular consequence: missense variant.
Genome position (GRCh38, 1-based): chr2:160,142,070, T>G on the plus strand (A>C on the coding strand, the complement: ITGB6 is on the minus strand). VCF-style: chr2-160142070-T-G. GRCh37 (hg19) VCF-style: chr2-160998581-T-G.
Other names: c.1019A>C (NM_000888.3); c.1019A>C, p.Asn340Thr (NM_001282353.2, NM_001282355.2); c.734A>C, p.Asn245Thr (NM_001282354.2); c.893A>C, p.Asn298Thr (NM_001282388.2); c.800A>C, p.Asn267Thr (NM_001282389.2); c.605A>C, p.Asn202Thr (NM_001282390.2); short protein forms N340T, N202T, N267T, N298T, N245T.
Identifiers: ClinVar variation 783345 (VCV000783345.7), dbSNP rs113506485, ClinGen allele CA1929334.

ClinVar aggregate classification (germline): Conflicting classifications of pathogenicity. Review status: criteria provided, conflicting classifications (1 of 4 stars). 4 submissions from 4 submitters: Uncertain significance (1); Likely benign (2). 1 of the submissions does not count toward it. Last evaluated 2025-06-17.

Conditions:
ITGB6-related disorder. Also called: ITGB6-related condition.
Inborn genetic diseases. Identifiers: MedGen C0950123, MeSH D030342.

Allele frequency attached by ClinVar (database versions not stated): 1000 Genomes Project 0.00180; 1000 Genomes Project 30x 0.00187; TOPMed 0.00217; ESP Exome Variant Server 0.00315.
gnomAD v4.1: 674 of 1,580,740 alleles (0.043%); highest among the groups gnomAD compares: African/African-American, 0.85%; 2 homozygotes.

Submissions (4):

Ambry Genetics
Classification: Uncertain significance for Inborn genetic diseases. Last evaluated: 2025-06-17. Review status: criteria provided, single submitter. Criteria: Ambry Variant Classification Scheme 2023. Collection method: clinical testing. Allele origin: germline.

Labcorp Genetics (formerly Invitae), Labcorp
Classification: Likely benign. Last evaluated: 2018-06-26. Review status: criteria provided, single submitter. Criteria: Invitae Variant Classification Sherloc (09022015). Collection method: clinical testing. Allele origin: germline.

Breakthrough Genomics
Classification: Likely benign. Review status: criteria provided, single submitter. Criteria: ACMG Guidelines, 2015. Collection method: not provided. Allele origin: germline. Inheritance: Autosomal recessive inheritance. Affected: yes.

PreventionGenetics, part of Exact Sciences
Classification: Benign for ITGB6-related condition. Last evaluated: 2019-05-01. Review status: no assertion criteria provided. Collection method: clinical testing. Allele origin: germline. Not counted in ClinVar's aggregate classification.
Comment: This variant is classified as benign based on ACMG/AMP sequence variant interpretation guidelines (Richards et al. 2015 PMID: 25741868, with internal and published modifications).